The following is an entry in ClinVar:

NM_005996.4(TBX3):c.1682A>G (p.His561Arg)

Gene: TBX3 (T-box transcription factor 3; minus strand). Cytogenetic location: 12q24.21.
Variant type: single nucleotide variant.
Coding change: c.1682A>G on transcript NM_005996.4 (MANE Select); coding-DNA position 1682, A replaced by G.
Protein change: p.His561Arg; replaces histidine 561 with arginine.
Molecular consequence: missense variant.
Genome position (GRCh38, 1-based): chr12:114,674,193, T>C on the plus strand (A>G on the coding strand, the complement: TBX3 is on the minus strand). VCF-style: chr12-114674193-T-C. GRCh37 (hg19) VCF-style: chr12-115111998-T-C.
Other names: c.1742A>G (NM_016569.3); c.1742A>G, p.His581Arg (NM_016569.4); short protein forms H561R, H581R.
Identifiers: ClinVar variation 3657568 (VCV003657568.3).

ClinVar aggregate classification (germline): Uncertain significance. Review status: criteria provided, multiple submitters, no conflicts (2 of 4 stars). 2 submissions from 2 submitters: Uncertain significance (2). Last evaluated 2025-11-11.

Conditions:
TBX3-related disorder. Also called: TBX3-related condition.
Ulnar-mammary syndrome (UMS). Also called: Ulnar-mammary syndrome of Pallister; PALLISTER ULNAR-MAMMARY SYNDROME; SCHINZEL SYNDROME. Identifiers: Orphanet 3138, MedGen C1866994, MONDO:0008411, OMIM 181450.

gnomAD v4.1: 1 of 1,582,982 alleles (0.000063%); highest among the groups gnomAD compares: East Asian, 0.0023%; no homozygotes.

Submissions (2):

PreventionGenetics, part of Exact Sciences
Classification: Uncertain significance for TBX3-related condition. Last evaluated: 2025-11-11. Review status: criteria provided, single submitter. Criteria: ACMG Guidelines, 2015. Collection method: clinical testing. Allele origin: germline.
Comment: The TBX3 c.1742A>G variant is predicted to result in the amino acid substitution p.His581Arg. To our knowledge, this variant has not been reported in the literature or in a large population database (gnomAD), indicating this variant is rare. At this time, the clinical significance of this variant is uncertain due to the absence of conclusive functional and genetic evidence.

Labcorp Genetics (formerly Invitae), Labcorp
Classification: Uncertain significance for Ulnar-mammary syndrome. Last evaluated: 2024-06-23. Review status: criteria provided, single submitter. Criteria: Invitae Variant Classification Sherloc (09022015). Collection method: clinical testing. Allele origin: germline.
Comment: This sequence change replaces histidine, which is basic and polar, with arginine, which is basic and polar, at codon 561 of the TBX3 protein (p.His561Arg). This variant is not present in population databases (gnomAD no frequency). This variant has not been reported in the literature in individuals affected with TBX3-related conditions. An algorithm developed to predict the effect of missense changes on protein structure and function (PolyPhen-2) suggests that this variant is likely to be disruptive. In summary, the available evidence is currently insufficient to determine the role of this variant in disease. Therefore, it has been classified as a Variant of Uncertain Significance.